The following is an entry in ClinVar:

NM_020822.3(KCNT1):c.3691G>A (p.Asp1231Asn)

Gene: KCNT1 (potassium sodium-activated channel subfamily T member 1; plus strand). Cytogenetic location: 9q34.3.
Variant type: single nucleotide variant.
Coding change: c.3691G>A on transcript NM_020822.3 (MANE Select); coding-DNA position 3691, G replaced by A.
Protein change: p.Asp1231Asn; replaces aspartic acid 1231 with asparagine.
Molecular consequence: missense variant.
Genome position (GRCh38, 1-based): chr9:135,792,144, G>A. VCF-style: chr9-135792144-G-A. GRCh37 (hg19) VCF-style: chr9-138683990-G-A.
Other names: c.3619G>A, p.Asp1207Asn (NM_001272003.2); short protein forms D1231N, D1207N.
Identifiers: ClinVar variation 374646 (VCV000374646.53), dbSNP rs146193090, ClinGen allele CA5328025.

ClinVar aggregate classification (germline): Uncertain significance. Review status: criteria provided, multiple submitters, no conflicts (2 of 4 stars). 5 submissions from 4 submitters: Uncertain significance (5). Last evaluated 2025-07-14.

Conditions:
Autosomal dominant nocturnal frontal lobe epilepsy 5. Also called: Epilepsy, nocturnal frontal lobe, 5; KCNT1-Related Epilepsy; CILIARY DYSKINESIA, PRIMARY, 28, WITHOUT SITUS INVERSUS; CILIARY DYSKINESIA, PRIMARY, 28, WITH SITUS INVERSUS. Identifiers: Orphanet 98784, MedGen C3554306, MONDO:0014002, OMIM 615005.
Developmental and epileptic encephalopathy, 14 (DEE14). Also called: Early infantile epileptic encephalopathy 14. Identifiers: Orphanet 293181, MedGen C3554195, MONDO:0013989, OMIM 614959.

Allele frequency attached by ClinVar (database versions not stated): gnomAD exomes below 0.00001 and 0.00001; ExAC 0.00001; gnomAD 0.00001; TOPMed 0.00002; ESP Exome Variant Server 0.00008.
gnomAD v4.1: 7 of 1,605,686 alleles (0.00044%); highest among the groups gnomAD compares: East Asian, 0.0045%; no homozygotes.

Submissions (5):

Labcorp Genetics (formerly Invitae), Labcorp
Classification: Uncertain significance for Autosomal dominant nocturnal frontal lobe epilepsy 5; Developmental and epileptic encephalopathy, 14. Last evaluated: 2025-07-14. Review status: criteria provided, single submitter. Criteria: Invitae Variant Classification Sherloc (09022015). Collection method: clinical testing. Allele origin: germline.
Comment: This sequence change replaces aspartic acid, which is acidic and polar, with asparagine, which is neutral and polar, at codon 1231 of the KCNT1 protein (p.Asp1231Asn). The frequency data for this variant in the population databases is considered unreliable, as metrics indicate poor data quality at this position in the gnomAD database. This variant has not been reported in the literature in individuals affected with KCNT1-related conditions. ClinVar contains an entry for this variant (Variation ID: 374646). Invitae Evidence Modeling of protein sequence and biophysical properties (such as structural, functional, and spatial information, amino acid conservation, physicochemical variation, residue mobility, and thermodynamic stability) indicates that this missense variant is not expected to disrupt KCNT1 protein function with a negative predictive value of 95%. In summary, the available evidence is currently insufficient to determine the role of this variant in disease. Therefore, it has been classified as a Variant of Uncertain Significance.

Genome-Nilou Lab
Classification: Uncertain significance for Developmental and epileptic encephalopathy, 14. Last evaluated: 2022-03-15. Review status: criteria provided, single submitter. Criteria: ACMG Guidelines, 2015. Collection method: clinical testing. Allele origin: germline. Affected: no.

Genome-Nilou Lab
Classification: Uncertain significance for Autosomal dominant nocturnal frontal lobe epilepsy 5. Last evaluated: 2022-03-15. Review status: criteria provided, single submitter. Criteria: ACMG Guidelines, 2015. Collection method: clinical testing. Allele origin: germline. Affected: no.

Fulgent Genetics
Classification: Uncertain significance for Developmental and epileptic encephalopathy, 14; Autosomal dominant nocturnal frontal lobe epilepsy 5. Last evaluated: 2018-10-31. Review status: criteria provided, single submitter. Criteria: ACMG Guidelines, 2015. Collection method: clinical testing. Allele origin: unknown.

CeGaT Center for Human Genetics Tuebingen
Classification: Uncertain significance. Last evaluated: 2016-06-01. Review status: criteria provided, single submitter. Criteria: CeGaT Center For Human Genetics Tuebingen Variant Classification Criteria Version 2. Collection method: clinical testing. Allele origin: germline. Affected: yes. Observed: 1 variant allele.